The following is an entry in ClinVar:

NM_021922.3(FANCE):c.57G>A (p.Trp19Ter)

Genes: FANCE (FA complementation group E; plus strand), LOC129996245 (ATAC-STARR-seq lymphoblastoid silent region 17092; plus strand). Cytogenetic location: 6p21.31.
Variant type: single nucleotide variant.
Coding change: c.57G>A on transcript NM_021922.3 (MANE Select); coding-DNA position 57, G replaced by A.
Protein change: p.Trp19Ter; replaces tryptophan 19 with a stop codon.
Molecular consequence: nonsense.
Genome position (GRCh38, 1-based): chr6:35,452,602, G>A. VCF-style: chr6-35452602-G-A. GRCh37 (hg19) VCF-style: chr6-35420379-G-A.
Other names: c.57G>A, p.Trp19Ter (NM_001410876.1); short protein forms W19*.
Identifiers: ClinVar variation 2632785 (VCV002632785.1), dbSNP rs916124670, ClinGen allele CA137292279.

ClinVar aggregate classification (germline): Likely pathogenic (1 of 4 stars; one submission).

Conditions:
FANCE-related disorder. Also called: FANCE-related condition.

Submission:

PreventionGenetics, part of Exact Sciences
Classification: Likely pathogenic for FANCE-related condition. Last evaluated: 2023-05-11. Review status: criteria provided, single submitter. Criteria: ACMG Guidelines, 2015. Collection method: clinical testing. Allele origin: germline.
Comment: The FANCE c.57G>A variant is predicted to result in premature protein termination (p.Trp19*). To our knowledge, this variant has not been reported in the literature or in a large population database, indicating this variant is rare. Nonsense variants in FANCE are expected to be pathogenic. This variant is interpreted as likely pathogenic.